The following is an entry in ClinVar:

NM_004310.5(RHOH):c.329del (p.Pro110fs)

Gene: RHOH (ras homolog family member H; plus strand). Cytogenetic location: 4p14.
Variant type: Deletion.
Coding change: c.329del on transcript NM_004310.5 (MANE Select); coding-DNA position 329, one base deleted (C; older notation c.329delC).
Protein change: p.Pro110fs; shifts the reading frame from proline 110.
Molecular consequence: frameshift variant.
Genome position (GRCh38, 1-based): chr4:40,243,715, C deleted; the last of 4 consecutive C bases (chr4:40,243,712-40,243,715); deleting any one gives the same sequence. VCF-style (leftmost placement, unchanged base first): chr4-40243711-AC-A. GRCh37 (hg19) VCF-style: chr4-40245331-AC-A.
Other names: c.329del, p.Pro110fs (NM_001278359.2, NM_001278360.2, NM_001278361.2 and 8 more transcripts); short protein forms P110fs.
Identifiers: ClinVar variation 1406547 (VCV001406547.1), dbSNP rs2109591580, ClinGen allele CA2573137715.

ClinVar aggregate classification (germline): Uncertain significance (1 of 4 stars; one submission).

Conditions:
T-cell immunodeficiency with epidermodysplasia verruciformis. Identifiers: Orphanet 324294, MedGen C4749500, MONDO:0017925.

Submission:

Labcorp Genetics (formerly Invitae), Labcorp
Classification: Uncertain significance for T-cell immunodeficiency with epidermodysplasia verruciformis. Last evaluated: 2021-02-01. Review status: criteria provided, single submitter. Criteria: Invitae Variant Classification Sherloc (09022015). Collection method: clinical testing. Allele origin: germline.
Comment: This sequence change results in a frameshift in the RHOH gene (p.Pro110Leufs*159). While this is not anticipated to result in nonsense mediated decay, it is expected to disrupt the last 82 amino acid(s) of the RHOH protein and extend the protein by 76 additional amino acid residues. This variant is not present in population databases (ExAC no frequency). This variant has not been reported in the literature in individuals with RHOH-related conditions. Experimental studies and prediction algorithms are not available or were not evaluated, and the functional significance of this variant is currently unknown. In summary, the available evidence is currently insufficient to determine the role of this variant in disease. Therefore, it has been classified as a Variant of Uncertain Significance.